The following is an entry in ClinVar:

NM_001040108.2(MLH3):c.3160A>G (p.Arg1054Gly)

Gene: MLH3 (mutL homolog 3; minus strand). Cytogenetic location: 14q24.3.
Variant type: single nucleotide variant.
Coding change: c.3160A>G on transcript NM_001040108.2 (MANE Select); coding-DNA position 3160, A replaced by G.
Protein change: p.Arg1054Gly; replaces arginine 1054 with glycine.
Molecular consequence: missense variant.
Genome position (GRCh38, 1-based): chr14:75,046,496, T>C on the plus strand (A>G on the coding strand, the complement: MLH3 is on the minus strand). VCF-style: chr14-75046496-T-C. GRCh37 (hg19) VCF-style: chr14-75513199-T-C.
Other names: c.3160A>G, p.Arg1054Gly (NM_014381.3); short protein forms R1054G.
Identifiers: ClinVar variation 654181 (VCV000654181.11), dbSNP rs890485767, ClinGen allele CA263647756.
Genomic context (GRCh38, chr14:75,046,496, plus strand): 5'-TGTCCTCAGTTGGGGCAATGAATGTGCTGAGTCCAGTCATTTTGTTGACATAAACCATTC[T>C]TCCCAGGGCTACATCGAAATGCCGCTGCCAATCTGAACAACACGTGTTTGACTCTTCAGT-3'
Protein context (NP_001035197.1, residues 1044-1064): WQRHFDVALG[Arg1054Gly]MVYVNKMTGL

ClinVar aggregate classification (germline): Uncertain significance. Review status: criteria provided, multiple submitters, no conflicts (2 of 4 stars). 2 submissions from 2 submitters: Uncertain significance (2). Last evaluated 2025-07-30.

Conditions:
Colorectal cancer, hereditary nonpolyposis, type 7. Identifiers: Orphanet 144, MedGen C1858380, MONDO:0013725, OMIM 614385.

Allele frequency attached by ClinVar (database versions not stated): TOPMed 0.00001; gnomAD exomes below 0.00001; gnomAD 0.00002.
gnomAD v4.1: 4 of 1,614,098 alleles (0.00025%); highest among the groups gnomAD compares: African/African-American, 0.004%; no homozygotes.

Submissions (2):

Labcorp Genetics (formerly Invitae), Labcorp
Classification: Uncertain significance for Colorectal cancer, hereditary nonpolyposis, type 7. Last evaluated: 2025-07-30. Review status: criteria provided, single submitter. Criteria: Invitae Variant Classification Sherloc (09022015). Collection method: clinical testing. Allele origin: germline.
Comment: This sequence change replaces arginine, which is basic and polar, with glycine, which is neutral and non-polar, at codon 1054 of the MLH3 protein (p.Arg1054Gly). This variant is present in population databases (no rsID available, gnomAD 0.003%). This variant has not been reported in the literature in individuals affected with MLH3-related conditions. ClinVar contains an entry for this variant (Variation ID: 654181). An algorithm developed to predict the effect of missense changes on protein structure and function (PolyPhen-2) suggests that this variant is likely to be disruptive. In summary, the available evidence is currently insufficient to determine the role of this variant in disease. Therefore, it has been classified as a Variant of Uncertain Significance.

Ambry Genetics
Classification: Uncertain significance. Last evaluated: 2021-06-15. Review status: criteria provided, single submitter. Criteria: Ambry Variant Classification Scheme 2023. Collection method: clinical testing. Allele origin: germline.
Comment: The p.R1054G variant (also known as c.3160A>G), located in coding exon 1 of the MLH3 gene, results from an A to G substitution at nucleotide position 3160. The arginine at codon 1054 is replaced by glycine, an amino acid with dissimilar properties. This amino acid position is conserved. In addition, the in silico prediction for this alteration is inconclusive. Since supporting evidence is limited at this time, the clinical significance of this alteration remains unclear.